The following is an entry in ClinVar:

ClinVar aggregate classification (germline): Likely benign (1 of 4 stars; one submission).

Submission:

CeGaT Center for Human Genetics Tuebingen
Classification: Likely benign. Last evaluated: 2024-12-01. Review status: criteria provided, single submitter. Criteria: CeGaT Center For Human Genetics Tuebingen Variant Classification Criteria Version 2. Collection method: clinical testing. Allele origin: germline. Affected: yes. Observed: 1 variant allele.
Comment: CACNA1G: BP4

NM_018896.5(CACNA1G):c.354+8T>A

Gene: CACNA1G (calcium voltage-gated channel subunit alpha1 G; plus strand). Cytogenetic location: 17q21.33.
Variant type: single nucleotide variant.
Coding change: c.354+8T>A on transcript NM_018896.5 (MANE Select); 8 bases into the intron after coding-DNA position 354, T replaced by A.
Molecular consequence: intron variant.
Genome position (GRCh38, 1-based): chr17:50,568,989, T>A. VCF-style: chr17-50568989-T-A. GRCh37 (hg19) VCF-style: chr17-48646350-T-A.
Other names: c.354+8T>A (NM_001256325.2, NM_198377.3, NM_198380.3 and 24 more transcripts).
Identifiers: ClinVar variation 3770603 (VCV003770603.13).